The following is an entry in ClinVar:

ClinVar aggregate classification (germline): Uncertain significance (1 of 4 stars; one submission).

Submission:

Labcorp Genetics (formerly Invitae), Labcorp
Classification: Uncertain significance. Last evaluated: 2025-12-09. Review status: criteria provided, single submitter. Criteria: Invitae Variant Classification Sherloc (09022015). Collection method: clinical testing. Allele origin: germline.
Comment: This sequence change replaces leucine, which is neutral and non-polar, with valine, which is neutral and non-polar, at codon 223 of the PPP2R1A protein (p.Leu223Val). This variant is not present in population databases (gnomAD no frequency). This variant has not been reported in the literature in individuals affected with PPP2R1A-related conditions. Invitae Evidence Modeling of protein sequence and biophysical properties (such as structural, functional, and spatial information, amino acid conservation, physicochemical variation, residue mobility, and thermodynamic stability) indicates that this missense variant is expected to disrupt PPP2R1A protein function with a positive predictive value of 80%. In summary, the available evidence is currently insufficient to determine the role of this variant in disease. Therefore, it has been classified as a Variant of Uncertain Significance.

NM_014225.6(PPP2R1A):c.667C>G (p.Leu223Val)

Gene: PPP2R1A (protein phosphatase 2 scaffold subunit Aalpha; plus strand). Cytogenetic location: 19q13.41.
Variant type: single nucleotide variant.
Coding change: c.667C>G on transcript NM_014225.6 (MANE Select); coding-DNA position 667, C replaced by G.
Protein change: p.Leu223Val; replaces leucine 223 with valine.
Molecular consequence: missense variant. On other transcripts: non-coding transcript variant (1).
Genome position (GRCh38, 1-based): chr19:52,212,970, C>G. VCF-style: chr19-52212970-C-G. GRCh37 (hg19) VCF-style: chr19-52716223-C-G.
Other names: c.130C>G, p.Leu44Val (NM_001363656.2); short protein forms L223V, L44V.
Identifiers: ClinVar variation 4742341 (VCV004742341.1).